The following is an entry in ClinVar:

NM_000093.5(COL5A1):c.1773G>A (p.Gln591=)

Gene: COL5A1 (collagen type V alpha 1 chain; plus strand). Cytogenetic location: 9q34.3.
Variant type: single nucleotide variant.
Coding change: c.1773G>A on transcript NM_000093.5 (MANE Select); coding-DNA position 1773, G replaced by A.
Protein change: p.Gln591=; no amino-acid change (glutamine 591 retained).
Molecular consequence: synonymous variant.
Genome position (GRCh38, 1-based): chr9:134,753,903, G>A. VCF-style: chr9-134753903-G-A. GRCh37 (hg19) VCF-style: chr9-137645749-G-A.
Other names: c.1773G>A, p.Gln591= (NM_001278074.1).
Identifiers: ClinVar variation 3236018 (VCV003236018.1), dbSNP rs2490600214, ClinGen allele CA467654363.

ClinVar aggregate classification (germline): Uncertain significance (1 of 4 stars; one submission).

Conditions:
Ehlers-Danlos syndrome, classic type, 1 (EDSCL1). Also called: EHLERS-DANLOS SYNDROME, GRAVIS TYPE; EHLERS-DANLOS SYNDROME, SEVERE CLASSIC TYPE; Ehlers-Danlos syndrome, type 1; Ehlers-Danlos Syndrome, Classic Type, COL5A1-Related; EDS I. Identifiers: MedGen C0268335, MONDO:0019567, OMIM 130000.

Submission:

MVZ Medizinische Genetik Mainz
Classification: Uncertain significance for Ehlers-Danlos syndrome, classic type, 1. Last evaluated: 2021-10-21. Review status: criteria provided, single submitter. Criteria: UK Practice Guidelines For Variant Classification V4 01 2020. Collection method: clinical testing. Allele origin: germline. Inheritance: Autosomal dominant inheritance. Affected: yes. Observed: 1 variant allele.
Comment: ACMG Criteria: PM2_SUP, PP3